The following is an entry in ClinVar:

NM_013328.4(PYCR2):c.601C>T (p.Leu201=)

Gene: PYCR2 (pyrroline-5-carboxylate reductase 2; minus strand). Cytogenetic location: 1q42.12.
Variant type: single nucleotide variant.
Coding change: c.601C>T on transcript NM_013328.4 (MANE Select); coding-DNA position 601, C replaced by T.
Protein change: p.Leu201=; no amino-acid change (leucine 201 retained).
Molecular consequence: synonymous variant.
Genome position (GRCh38, 1-based): chr1:225,921,584, G>A on the plus strand (C>T on the coding strand, the complement: PYCR2 is on the minus strand). VCF-style: chr1-225921584-G-A. GRCh37 (hg19) VCF-style: chr1-226109284-G-A.
Other names: p.Leu201=; c.379C>T, p.Leu127= (NM_001271681.2).
Identifiers: ClinVar variation 1583403 (VCV001583403.10), dbSNP rs56362902, ClinGen allele CA1420160.

ClinVar aggregate classification (germline): Benign. Review status: criteria provided, multiple submitters, no conflicts (2 of 4 stars). 3 submissions from 3 submitters: Benign (3). Last evaluated 2026-02-01.

Allele frequency attached by ClinVar (database versions not stated): 1000 Genomes Project 0.01338; 1000 Genomes Project 30x 0.01437; ExAC 0.02307; gnomAD 0.02375 and 0.02401; gnomAD exomes 0.02406 and 0.03178; TOPMed 0.02440; ESP Exome Variant Server 0.02476.
gnomAD v4.1: 49,937 of 1,614,192 alleles (3.1%); highest among the groups gnomAD compares: Non-Finnish European, 3.7%; 948 homozygotes.

Submissions (3):

Labcorp Genetics (formerly Invitae), Labcorp
Classification: Benign. Last evaluated: 2026-02-01. Review status: criteria provided, single submitter. Criteria: Invitae Variant Classification Sherloc (09022015). Collection method: clinical testing. Allele origin: germline.

Mayo Clinic Laboratories, Mayo Clinic
Classification: Benign. Last evaluated: 2023-01-17. Review status: criteria provided, single submitter. Criteria: ACMG Guidelines, 2015. Collection method: clinical testing. Allele origin: germline. Observed: 18 variant alleles.
Comment: BS1, BS2, BP4, BP7

Breakthrough Genomics
Classification: Benign. Review status: criteria provided, single submitter. Criteria: ACMG Guidelines, 2015. Collection method: not provided. Allele origin: germline. Inheritance: Autosomal recessive inheritance. Affected: yes.